The following is an entry in ClinVar:

ClinVar aggregate classification (germline): Likely pathogenic. Review status: criteria provided, multiple submitters, no conflicts (2 of 4 stars). 2 submissions from 2 submitters: Likely pathogenic (2). Last evaluated 2023-06-05.

Conditions:
Autosomal recessive nonsyndromic hearing loss 3. Also called: NEUROSENSORY NONSYNDROMIC RECESSIVE DEAFNESS 3. Identifiers: Orphanet 90636, MedGen C1838263, MONDO:0010860, OMIM 600316.

Submissions (2):

Labcorp Genetics (formerly Invitae), Labcorp
Classification: Likely pathogenic. Last evaluated: 2023-06-05. Review status: criteria provided, single submitter. Criteria: Invitae Variant Classification Sherloc (09022015). Collection method: clinical testing. Allele origin: germline.
Comment: This variant has not been reported in the literature in individuals affected with MYO15A-related conditions. In summary, the currently available evidence indicates that the variant is pathogenic, but additional data are needed to prove that conclusively. Therefore, this variant has been classified as Likely Pathogenic. This variant disrupts the p.Arg2204 amino acid residue in MYO15A. Other variant(s) that disrupt this residue have been determined to be pathogenic (PMID: 35062939, 35346193). This suggests that this residue is clinically significant, and that variants that disrupt this residue are likely to be disease-causing. Advanced modeling of protein sequence and biophysical properties (such as structural, functional, and spatial information, amino acid conservation, physicochemical variation, residue mobility, and thermodynamic stability) performed at Invitae indicates that this missense variant is expected to disrupt MYO15A protein function. This variant is not present in population databases (gnomAD no frequency). This sequence change replaces arginine, which is basic and polar, with leucine, which is neutral and non-polar, at codon 2204 of the MYO15A protein (p.Arg2204Leu).

Lifecell International Pvt. Ltd
Classification: Likely pathogenic for Autosomal recessive nonsyndromic hearing loss 3. Review status: criteria provided, single submitter. Criteria: ACMG Guidelines, 2015. Collection method: clinical testing. Allele origin: germline. Inheritance: Autosomal recessive inheritance. Affected: yes. Observed: 1 homozygote.
Comment: A Homozygote Missense variant c.6611G>T in Exon 31 of the MYO15A gene that results in the amino acid substitution p.Arg2204Leu was identified. The observed variant is novel in gnomAD exomes and genomes, respectively. The severity of the impact of this variant on the protein is medium, based on the effect of the protein and REVEL score. Rare Exome Variant Ensemble Learner (REVEL) is an ensembl method for predicting the pathogenicity of missense variants based on a combination of scores from 13 individual tools: MutPred, FATHMM v2.3, VEST 3.0, PolyPhen-2, SIFT, PROVEAN, MutationAssessor, MutationTaster, LRT, GERP++, SiPhy, phyloP, and phastCons. The REVEL score for an individual missense variant can range from 0 to 1, with higher scores reflecting greater likelihood that the variant is disease-causing. A different missense variation has been previously reported in patients affected with hearing loss (Jin X, et.al., 2022). For these reasons, this variant has been classified as Likely Pathogenic.

Literature cited by the submitters: PubMed 35062939 (cited by Labcorp Genetics (formerly Invitae), Labcorp and Lifecell International Pvt. Ltd); PubMed 35346193 (cited by Labcorp Genetics (formerly Invitae), Labcorp).

NM_016239.4(MYO15A):c.6611G>T (p.Arg2204Leu)

Gene: MYO15A (myosin XVA; plus strand). Cytogenetic location: 17p11.2.
Variant type: single nucleotide variant.
Coding change: c.6611G>T on transcript NM_016239.4 (MANE Select); coding-DNA position 6611, G replaced by T.
Protein change: p.Arg2204Leu; replaces arginine 2204 with leucine.
Molecular consequence: missense variant.
Genome position (GRCh38, 1-based): chr17:18,148,130, G>T. VCF-style: chr17-18148130-G-T. GRCh37 (hg19) VCF-style: chr17-18051444-G-T.
Other names: short protein forms R2204L.
Identifiers: ClinVar variation 2504601 (VCV002504601.4), dbSNP rs2046512154, ClinGen allele CA398610486.
Genomic context (GRCh38, chr17:18,148,130, plus strand): 5'-GTCAGCACCGCCTCATGCAGGCCATGGGCCGGGCCCAACAGCAGGGCTCGGGGGCTGCCC[G>T]CACCTTACCCCCGACCCAGCTCGAGTGGACAGCGACCTATGAGAAGGCCAGCATGGCGCT-3'
Protein context (NP_057323.3, residues 2194-2214): RAQQQGSGAA[Arg2204Leu]TLPPTQLEWT